The following is an entry in ClinVar:

ClinVar aggregate classification (germline): Uncertain significance (1 of 4 stars; one submission).

Conditions:
Cardiovascular phenotype. Identifiers: MedGen CN230736.

Submission:

Ambry Genetics
Classification: Uncertain significance for Cardiovascular phenotype. Last evaluated: 2021-11-14. Review status: criteria provided, single submitter. Criteria: Ambry Variant Classification Scheme 2023. Collection method: clinical testing. Allele origin: germline.
Comment: The p.I434V variant (also known as c.1300A>G), located in coding exon 14 of the EYA4 gene, results from an A to G substitution at nucleotide position 1300. The isoleucine at codon 434 is replaced by valine, an amino acid with highly similar properties. This amino acid position is conserved. In addition, this alteration is predicted to be tolerated by in silico analysis. Since supporting evidence is limited at this time, the clinical significance of this alteration remains unclear.

NM_004100.5(EYA4):c.1300A>G (p.Ile434Val)

Genes: EYA4 (EYA transcriptional coactivator and phosphatase 4; plus strand), TARID (TCF21 antisense RNA inducing promoter demethylation; minus strand). Cytogenetic location: 6q23.2.
Variant type: single nucleotide variant.
Coding change: c.1300A>G on transcript NM_004100.5 (MANE Select); coding-DNA position 1300, A replaced by G.
Protein change: p.Ile434Val; replaces isoleucine 434 with valine.
Molecular consequence: missense variant.
Genome position (GRCh38, 1-based): chr6:133,512,739, A>G. VCF-style: chr6-133512739-A-G. GRCh37 (hg19) VCF-style: chr6-133833877-A-G.
Other names: c.1138A>G, p.Ile380Val (NM_001301012.2); c.1318A>G, p.Ile440Val (NM_001301013.2); c.1231A>G, p.Ile411Val (NM_001370458.1, NM_172103.4); c.1156A>G, p.Ile386Val (NM_001370459.1); c.1300A>G, p.Ile434Val (NM_172105.4); short protein forms I386V, I440V, I380V, I411V, I434V.
Identifiers: ClinVar variation 1769390 (VCV001769390.2), dbSNP rs1799264833, ClinGen allele CA365714607.